The following is an entry in ClinVar:

NM_031475.3(ESPN):c.1916-81A>G

Gene: ESPN (espin; plus strand). Cytogenetic location: 1p36.31.
Variant type: single nucleotide variant.
Coding change: c.1916-81A>G on transcript NM_031475.3 (MANE Select); 81 bases into the intron before coding-DNA position 1916, A replaced by G.
Molecular consequence: intron variant.
Genome position (GRCh38, 1-based): chr1:6,451,522, A>G. VCF-style: chr1-6451522-A-G. GRCh37 (hg19) VCF-style: chr1-6511582-A-G.
Other names: c.1853-81A>G (NM_001367474.1); c.1826-81A>G (NM_001367473.1).
Identifiers: ClinVar variation 682774 (VCV000682774.2), dbSNP rs9434774, ClinGen allele CA10762260.

ClinVar aggregate classification (germline): Benign. Review status: criteria provided, multiple submitters, no conflicts (2 of 4 stars). 2 submissions from 2 submitters: Benign (2). Last evaluated 2018-06-14.

Allele frequency attached by ClinVar (database versions not stated): gnomAD exomes 0.16431; gnomAD 0.30610 and 0.31568; TOPMed 0.31494.
gnomAD v4.1: 277,341 of 1,553,162 alleles (18%); highest among the groups gnomAD compares: African/African-American, 69%; 36,011 homozygotes.

Submissions (2):

GeneDx
Classification: Benign. Last evaluated: 2018-06-14. Review status: criteria provided, single submitter. Criteria: GeneDx Variant Classification (06012015). Collection method: clinical testing. Allele origin: germline. Affected: yes.
Comment: This variant is considered likely benign or benign based on one or more of the following criteria: it is a conservative change, it occurs at a poorly conserved position in the protein, it is predicted to be benign by multiple in silico algorithms, and/or has population frequency not consistent with disease.

Breakthrough Genomics
Classification: Benign. Review status: criteria provided, single submitter. Criteria: ACMG Guidelines, 2015. Collection method: not provided. Allele origin: germline. Inheritance: Autosomal recessive inheritance. Affected: yes.